The following is an entry in ClinVar:

NM_001386140.1(MTTP):c.2469_2472dup (p.Leu825fs)

Gene: MTTP (microsomal triglyceride transfer protein; plus strand). Cytogenetic location: 4q23.
Variant type: Duplication.
Coding change: c.2469_2472dup on transcript NM_001386140.1 (MANE Select); coding-DNA positions 2469 to 2472, 4 bases duplicated (ATTC; older notation c.2469_2472dupATTC).
Protein change: p.Leu825fs; shifts the reading frame from leucine 825.
Molecular consequence: frameshift variant.
Genome position (GRCh38, 1-based): chr4:99,621,187-99,621,190, ATTC duplicated; duplicating any 4 consecutive bases within chr4:99,621,186-99,621,190 gives the same sequence; the c. name uses the placement nearest the transcript's 3' end. VCF-style (leftmost placement, unchanged base first): chr4-99621185-C-CCATT. GRCh37 (hg19) VCF-style: chr4-100542342-C-CCATT.
Other names: c.2469_2472dup, p.Leu825fs (NM_000253.4); c.2220_2223dup, p.Leu742fs (NM_001300785.2); short protein forms L742fs, L825fs.
Identifiers: ClinVar variation 1930401 (VCV001930401.5), dbSNP rs1726221197, ClinGen allele CA1480087300.

ClinVar aggregate classification (germline): Pathogenic (1 of 4 stars; one submission).

Submission:

Labcorp Genetics (formerly Invitae), Labcorp
Classification: Pathogenic. Last evaluated: 2024-11-05. Review status: criteria provided, single submitter. Criteria: Invitae Variant Classification Sherloc (09022015). Collection method: clinical testing. Allele origin: germline.
Comment: This sequence change creates a premature translational stop signal (p.Leu825Ilefs*11) in the MTTP gene. While this is not anticipated to result in nonsense mediated decay, it is expected to disrupt the last 70 amino acid(s) of the MTTP protein. This variant is not present in population databases (gnomAD no frequency). This variant has not been reported in the literature in individuals affected with MTTP-related conditions. ClinVar contains an entry for this variant (Variation ID: 1930401). This variant disrupts a region of the MTTP protein in which other variant(s) (p.Gly865*) have been determined to be pathogenic (PMID: 7782284, 8533758, 10679949, 17275380, 20592474, 27271787). This suggests that this is a clinically significant region of the protein, and that variants that disrupt it are likely to be disease-causing. For these reasons, this variant has been classified as Pathogenic.

Literature cited by the submitters: PubMed 7782284; PubMed 8533758; PubMed 10679949; PubMed 17275380; PubMed 20592474; PubMed 27271787.